The following is an entry in ClinVar:

ClinVar aggregate classification (germline): Pathogenic (1 of 4 stars; one submission).

Conditions:
Intellectual disability-microcephaly-strabismus-behavioral abnormalities syndrome. Also called: White-Sutton Syndrome. Identifiers: Orphanet 468678, MedGen C4225351, MONDO:0014606, OMIM 616364.

Submission:

Genetics Laboratory, UDIAT-Centre Diagnòstic, Hospital Universitari Parc Tauli
Classification: Pathogenic for intellectual disability-microcephaly-strabismus-behavioral abnormalities syndrome. Last evaluated: 2025-01-17. Review status: criteria provided, single submitter. Criteria: ACMG Guidelines, 2015. Collection method: clinical testing. Allele origin: unknown. Inheritance: Autosomal dominant inheritance. Affected: yes.
Comment: PVS1_very strong;PM2_supporting;PM6_moderate

NM_015100.4(POGZ):c.3192del (p.Phe1065fs)

Gene: POGZ (pogo transposable element derived with ZNF domain; minus strand). Cytogenetic location: 1q21.3.
Variant type: Deletion.
Coding change: c.3192del on transcript NM_015100.4 (MANE Select); coding-DNA position 3192, one base deleted (G; older notation c.3192delG).
Protein change: p.Phe1065fs; shifts the reading frame from phenylalanine 1065.
Molecular consequence: frameshift variant.
Genome position (GRCh38, 1-based): chr1:151,405,843, C deleted on the plus strand (G on the coding strand, the reverse complement: POGZ is on the minus strand); the first of 6 consecutive C bases (chr1:151,405,843-151,405,848); deleting any one gives the same sequence. VCF-style (leftmost placement, unchanged base first): chr1-151405842-AC-A. GRCh37 (hg19) VCF-style: chr1-151378318-AC-A.
Other names: c.3165del, p.Phe1056fs (NM_001194937.2); c.3006del, p.Phe1003fs (NM_001194938.2); c.3213del, p.Phe1072fs (NM_001410860.1); c.2907del, p.Phe970fs (NM_145796.4); c.3033del, p.Phe1012fs (NM_207171.2); short protein forms F1003fs, F1012fs, F1056fs, F1065fs, F1072fs, F970fs.
Identifiers: ClinVar variation 3897578 (VCV003897578.1).